The following is an entry in ClinVar:

NM_005245.4(FAT1):c.1658T>A (p.Val553Asp)

Gene: FAT1 (FAT atypical cadherin 1; minus strand). Cytogenetic location: 4q35.2.
Variant type: single nucleotide variant.
Coding change: c.1658T>A on transcript NM_005245.4 (MANE Select); coding-DNA position 1658, T replaced by A.
Protein change: p.Val553Asp; replaces valine 553 with aspartic acid.
Molecular consequence: missense variant.
Genome position (GRCh38, 1-based): chr4:186,708,170, A>T on the plus strand (T>A on the coding strand, the complement: FAT1 is on the minus strand). VCF-style: chr4-186708170-A-T. GRCh37 (hg19) VCF-style: chr4-187629324-A-T.
Other names: short protein forms V553D.
Identifiers: ClinVar variation 2418461 (VCV002418461.4), dbSNP rs1350755104, ClinGen allele CA358988661.

ClinVar aggregate classification (germline): Uncertain significance (1 of 4 stars; one submission).

gnomAD v4.1: 6 of 1,614,026 alleles (0.00037%); highest among the groups gnomAD compares: Admixed American, 0.0083%; no homozygotes.

Submission:

Labcorp Genetics (formerly Invitae), Labcorp
Classification: Uncertain significance. Last evaluated: 2022-09-07. Review status: criteria provided, single submitter. Criteria: Invitae Variant Classification Sherloc (09022015). Collection method: clinical testing. Allele origin: germline.
Comment: This variant has not been reported in the literature in individuals affected with FAT1-related conditions. In summary, the available evidence is currently insufficient to determine the role of this variant in disease. Therefore, it has been classified as a Variant of Uncertain Significance. Algorithms developed to predict the effect of missense changes on protein structure and function are either unavailable or do not agree on the potential impact of this missense change (SIFT: "Deleterious"; PolyPhen-2: "Possibly Damaging"; Align-GVGD: "Class C15"). This variant is present in population databases (no rsID available, gnomAD 0.01%). This sequence change replaces valine, which is neutral and non-polar, with aspartic acid, which is acidic and polar, at codon 553 of the FAT1 protein (p.Val553Asp).